The following is an entry in ClinVar:

ClinVar aggregate classification (germline): Uncertain significance (1 of 4 stars; one submission).

Conditions:
Stormorken syndrome (STRMK). Also called: THROMBOCYTOPATHY, ASPLENIA, AND MIOSIS. Identifiers: Orphanet 3204, MedGen C1861451, MONDO:0008497, OMIM 185070.
Combined immunodeficiency due to STIM1 deficiency. Also called: STIM1 DEFICIENCY; IMMUNODEFICIENCY 10. Identifiers: Orphanet 169090, Orphanet 317430, MedGen C2748557, MONDO:0013008, OMIM 612783.
Myopathy with tubular aggregates (TAM). Also called: Tubular Aggregate Myopathy. Identifiers: Orphanet 2593, MedGen C0410207, MONDO:0008051.

Allele frequency attached by ClinVar (database versions not stated): gnomAD exomes below 0.00001.
gnomAD v4.1: 1 of 1,614,116 alleles (0.000062%); highest among the groups gnomAD compares: Non-Finnish European, 0.000085%; no homozygotes.

Submission:

Labcorp Genetics (formerly Invitae), Labcorp
Classification: Uncertain significance for Myopathy with tubular aggregates; Combined immunodeficiency due to STIM1 deficiency; Stormorken syndrome. Last evaluated: 2022-08-22. Review status: criteria provided, single submitter. Criteria: Invitae Variant Classification Sherloc (09022015). Collection method: clinical testing. Allele origin: germline.
Comment: This variant is not present in population databases (gnomAD no frequency). In summary, the available evidence is currently insufficient to determine the role of this variant in disease. Therefore, it has been classified as a Variant of Uncertain Significance. Algorithms developed to predict the effect of sequence changes on RNA splicing suggest that this variant may create or strengthen a splice site. Algorithms developed to predict the effect of missense changes on protein structure and function (SIFT, PolyPhen-2, Align-GVGD) all suggest that this variant is likely to be tolerated. This variant has not been reported in the literature in individuals affected with STIM1-related conditions. This sequence change replaces methionine, which is neutral and non-polar, with valine, which is neutral and non-polar, at codon 551 of the STIM1 protein (p.Met551Val).

NM_001382567.1(STIM1):c.1744A>G (p.Met582Val)

Gene: STIM1 (stromal interaction molecule 1; plus strand). Cytogenetic location: 11p15.4.
Variant type: single nucleotide variant.
Coding change: c.1744A>G on transcript NM_001382567.1 (MANE Select); coding-DNA position 1744, A replaced by G.
Protein change: p.Met582Val; replaces methionine 582 with valine.
Molecular consequence: missense variant. On other transcripts: 3 prime UTR variant (4), non-coding transcript variant (3).
Genome position (GRCh38, 1-based): chr11:4,091,391, A>G. VCF-style: chr11-4091391-A-G. GRCh37 (hg19) VCF-style: chr11-4112621-A-G.
Other names: c.1969A>G, p.Met657Val (NM_001277961.3); c.*65A>G (NM_001277962.2, NM_001382578.1, NM_001382579.1 and 1 more transcripts); c.1747A>G, p.Met583Val (NM_001382566.1); c.1672A>G, p.Met558Val (NM_001382568.1); c.1516A>G, p.Met506Val (NM_001382569.1); c.1423A>G, p.Met475Val (NM_001382570.1); c.1171A>G, p.Met391Val (NM_001382571.1); c.1429A>G, p.Met477Val (NM_001382575.1, NM_001382576.1, NM_001382577.1); and 2 more; short protein forms M475V, M551V, M558V, M388V, M506V, M391V, M477V, M582V.
Identifiers: ClinVar variation 1944922 (VCV001944922.5), dbSNP rs2498542581, ClinGen allele CA379196828.